The following is an entry in ClinVar:

NM_016464.5(TMEM138):c.247A>G (p.Ile83Val)

Gene: TMEM138 (transmembrane protein 138; plus strand). Cytogenetic location: 11q12.2.
Variant type: single nucleotide variant.
Coding change: c.247A>G on transcript NM_016464.5 (MANE Select); coding-DNA position 247, A replaced by G.
Protein change: p.Ile83Val; replaces isoleucine 83 with valine.
Molecular consequence: missense variant. On other transcripts: non-coding transcript variant (1).
Genome position (GRCh38, 1-based): chr11:61,366,163, A>G. VCF-style: chr11-61366163-A-G. GRCh37 (hg19) VCF-style: chr11-61133635-A-G.
Other names: c.73A>G, p.Ile25Val (NM_001330281.2); short protein forms I83V, I25V.
Identifiers: ClinVar variation 287964 (VCV000287964.21), dbSNP rs200399046, ClinGen allele CA6034560.

ClinVar aggregate classification (germline): Conflicting classifications of pathogenicity. Review status: criteria provided, conflicting classifications (1 of 4 stars). 9 submissions from 9 submitters: Uncertain significance (7); Likely benign (1). 1 of the submissions does not count toward it. Last evaluated 2025-10-28.

Conditions:
Inborn genetic diseases. Identifiers: MedGen C0950123, MeSH D030342.
Joubert syndrome 16 (JBTS16). Identifiers: Orphanet 2318, MedGen C3280906, MONDO:0013764, OMIM 614465.

Allele frequency attached by ClinVar (database versions not stated): TOPMed 0.00024; ESP Exome Variant Server 0.00031; gnomAD exomes 0.00032 and 0.00038; gnomAD 0.00041 and 0.00042; ExAC 0.00051.
gnomAD v4.1: 550 of 1,614,236 alleles (0.034%); highest among the groups gnomAD compares: Non-Finnish European, 0.039%; no homozygotes.

Submissions (9):

GeneDx
Classification: Uncertain significance. Last evaluated: 2025-10-28. Review status: criteria provided, single submitter. Criteria: GeneDx Variant Classification Process June 2021. Collection method: clinical testing. Allele origin: germline. Affected: yes.
Comment: In silico analysis suggests that this missense variant does not alter protein structure/function; Has not been previously published as pathogenic or benign to our knowledge; This variant is associated with the following publications: (PMID: 22282472)

Blueprint Genetics
Classification: Likely benign. Last evaluated: 2024-11-21. Review status: criteria provided, single submitter. Criteria: ACMG Guidelines, 2015. Collection method: clinical testing. Allele origin: germline.

Fulgent Genetics
Classification: Uncertain significance for Joubert syndrome 16. Last evaluated: 2024-04-25. Review status: criteria provided, single submitter. Criteria: ACMG Guidelines, 2015. Collection method: clinical testing. Allele origin: germline.

Labcorp Genetics (formerly Invitae), Labcorp
Classification: Uncertain significance for Joubert syndrome 16. Last evaluated: 2024-01-22. Review status: criteria provided, single submitter. Criteria: Invitae Variant Classification Sherloc (09022015). Collection method: clinical testing. Allele origin: germline.
Comment: This sequence change replaces isoleucine, which is neutral and non-polar, with valine, which is neutral and non-polar, at codon 83 of the TMEM138 protein (p.Ile83Val). This variant is present in population databases (rs200399046, gnomAD 0.08%), and has an allele count higher than expected for a pathogenic variant. This variant has not been reported in the literature in individuals affected with TMEM138-related conditions. ClinVar contains an entry for this variant (Variation ID: 287964). Algorithms developed to predict the effect of missense changes on protein structure and function output the following: SIFT: "Not Available"; PolyPhen-2: "Benign"; Align-GVGD: "Not Available". The valine amino acid residue is found in multiple mammalian species, which suggests that this missense change does not adversely affect protein function. In summary, the available evidence is currently insufficient to determine the role of this variant in disease. Therefore, it has been classified as a Variant of Uncertain Significance.

Ambry Genetics
Classification: Uncertain significance for Inborn genetic diseases. Last evaluated: 2021-09-16. Review status: criteria provided, single submitter. Criteria: Ambry Variant Classification Scheme 2023. Collection method: clinical testing. Allele origin: germline.

Illumina Laboratory Services, Illumina
Classification: Uncertain significance for Joubert syndrome 16. Last evaluated: 2018-01-12. Review status: criteria provided, single submitter. Criteria: ICSL Variant Classification Criteria 13 December 2019. Collection method: clinical testing. Allele origin: germline.

Eurofins Ntd Llc (ga)
Classification: Uncertain significance. Last evaluated: 2016-05-31. Review status: criteria provided, single submitter. Criteria: EGL Classification Definitions 2015. Collection method: clinical testing. Allele origin: germline. Observed: 1 variant allele, 1 heterozygote.

Breakthrough Genomics
Classification: Uncertain significance. Review status: criteria provided, single submitter. Criteria: ACMG Guidelines, 2015. Collection method: not provided. Allele origin: germline. Inheritance: Autosomal recessive inheritance. Affected: yes.

Department of Pathology and Laboratory Medicine, Sinai Health System
Classification: Uncertain significance. Review status: no assertion criteria provided. Collection method: clinical testing. Allele origin: unknown. Affected: yes. Study: The Canadian Open Genetics Repository (COGR). Not counted in ClinVar's aggregate classification.
Comment: The TMEM138 p.Ile25Val variant was not identified in the literature nor was it identified in LOVD 3.0. The variant was identified in dbSNP (ID: rs200399046) and in ClinVar (classified as a VUS by Illumina and EGL Genetic Diagnostics for Joubert Syndrome). The variant was also identified in control databases in 125 of 282888 chromosomes at a frequency of 0.000442 increasing the likelihood this could be a low frequency benign variant (Genome Aggregation Database Feb 27, 2017). The variant was observed in the following populations: European (non-Finnish) in 102 of 129194 chromosomes (freq: 0.00079), Other in 5 of 7226 chromosomes (freq: 0.000692), European (Finnish) in 17 of 25122 chromosomes (freq: 0.000677) and Latino in 1 of 35438 chromosomes (freq: 0.000028); it was not observed in the African, Ashkenazi Jewish, East Asian, and South Asian populations. The variant occurs outside of the splicing consensus sequence and in silico or computational prediction software programs (SpliceSiteFinder, MaxEntScan, NNSPLICE, GeneSplicer) do not predict a difference in splicing. The p.Ile25 residue is conserved in mammals but not in more distantly related organisms however three out of four computational analyses (SIFT, AlignGVGD, BLOSUM) do not suggest a high likelihood of impact to the protein; this information is not predictive enough to rule out pathogenicity. In summary, based on the above information the clinical significance of this variant cannot be determined with certainty at this time. This variant is classified as a variant of uncertain significance.